The following is an entry in ClinVar:

ClinVar aggregate classification (germline): Pathogenic. Review status: criteria provided, multiple submitters, no conflicts (2 of 4 stars). 3 submissions from 3 submitters: Pathogenic (3). Last evaluated 2025-10-07.

Conditions:
Hereditary nonpolyposis colorectal neoplasms. Identifiers: MedGen C0009405, MeSH D003123.
Hereditary cancer-predisposing syndrome. Also called: Hereditary Cancer Syndrome; Hereditary neoplastic syndrome; Neoplastic Syndromes, Hereditary; Tumor predisposition. Identifiers: Orphanet 140162, MedGen C0027672, MeSH D009386, MONDO:0015356.
Lynch syndrome 5 (LYNCH5). Also called: Hereditary non-polyposis colorectal cancer, type 5; Colorectal cancer, hereditary nonpolyposis, type 5. Identifiers: Orphanet 144, MedGen C1833477, MONDO:0013710, OMIM 614350. Disease mechanism: loss of function.

Submissions (3):

Labcorp Genetics (formerly Invitae), Labcorp
Classification: Pathogenic for Hereditary nonpolyposis colorectal neoplasms. Last evaluated: 2025-10-07. Review status: criteria provided, single submitter. Criteria: Invitae Variant Classification Sherloc (09022015). Collection method: clinical testing. Allele origin: germline.
Comment: This sequence change creates a premature translational stop signal (p.Ser330Phefs*18) in the MSH6 gene. It is expected to result in an absent or disrupted protein product. Loss-of-function variants in MSH6 are known to be pathogenic (PMID: 18269114, 24362816). This variant is not present in population databases (gnomAD no frequency). This variant has not been reported in the literature in individuals affected with MSH6-related conditions. ClinVar contains an entry for this variant (Variation ID: 455362). For these reasons, this variant has been classified as Pathogenic.

Ambry Genetics
Classification: Pathogenic for Hereditary cancer-predisposing syndrome. Last evaluated: 2025-09-03. Review status: criteria provided, single submitter. Criteria: Ambry Variant Classification Scheme 2023. Collection method: clinical testing. Allele origin: germline.
Comment: The c.988dupT variant, located in coding exon 4 of the MSH6 gene, results from a duplication of T at nucleotide position 988, causing a translational frameshift with a predicted alternate stop codon (p.S330Ffs*18). This variant is considered to be rare based on population cohorts in the Genome Aggregation Database (gnomAD). This alteration is expected to result in loss of function by premature protein truncation or nonsense-mediated mRNA decay. As such, this alteration is interpreted as a disease-causing mutation.

Myriad Genetics, Inc.
Classification: Pathogenic for Lynch syndrome 5. Last evaluated: 2023-08-11. Review status: criteria provided, single submitter. Criteria: Myriad Autosomal Dominant, Autosomal Recessive and X-Linked Classification Criteria (2023). Collection method: clinical testing. Allele origin: unknown.
Comment: This variant is considered pathogenic. This variant creates a frameshift predicted to result in premature protein truncation.

Literature cited by the submitters: PubMed 18269114 (cited by Labcorp Genetics (formerly Invitae), Labcorp); PubMed 24362816 (cited by Labcorp Genetics (formerly Invitae), Labcorp).

NM_000179.3(MSH6):c.988dup (p.Ser330fs)

Gene: MSH6 (mutS homolog 6; plus strand). Cytogenetic location: 2p16.3.
Variant type: Duplication.
Coding change: c.988dup on transcript NM_000179.3 (MANE Select); coding-DNA position 988, one base duplicated (T; older notation c.988dupT).
Protein change: p.Ser330fs; shifts the reading frame from serine 330.
Molecular consequence: frameshift variant.
Genome position (GRCh38, 1-based): chr2:47,798,971, T duplicated; the last of 3 consecutive T bases (chr2:47,798,969-47,798,971); duplicating any one gives the same sequence. VCF-style (leftmost placement, unchanged base first): chr2-47798968-A-AT. GRCh37 (hg19) VCF-style: chr2-48026107-A-AT.
Other names: c.598dup, p.Ser200fs (NM_001281492.2); c.82dup, p.Ser28fs (NM_001281493.2, NM_001281494.2); c.988dupT (NM_000179.2); short protein forms S200fs, S28fs, S330fs.
Identifiers: ClinVar variation 455362 (VCV000455362.11), dbSNP rs1553412409, ClinGen allele CA658655728.